The following is an entry in ClinVar:

ClinVar aggregate classification (germline): Uncertain significance. Review status: criteria provided, multiple submitters, no conflicts (2 of 4 stars). 2 submissions from 2 submitters: Uncertain significance (2). Last evaluated 2025-10-27.

Allele frequency attached by ClinVar (database versions not stated): gnomAD exomes below 0.00001.
gnomAD v4.1: 1 of 1,613,560 alleles (0.000062%); highest among the groups gnomAD compares: Non-Finnish European, 0.000085%; no homozygotes.

Submissions (2):

Labcorp Genetics (formerly Invitae), Labcorp
Classification: Uncertain significance. Last evaluated: 2025-10-27. Review status: criteria provided, single submitter. Criteria: Invitae Variant Classification Sherloc (09022015). Collection method: clinical testing. Allele origin: germline.
Comment: This sequence change replaces alanine, which is neutral and non-polar, with valine, which is neutral and non-polar, at codon 1686 of the USH2A protein (p.Ala1686Val). This variant is not present in population databases (gnomAD no frequency). This variant has not been reported in the literature in individuals affected with USH2A-related conditions. ClinVar contains an entry for this variant (Variation ID: 1950953). Invitae Evidence Modeling of protein sequence and biophysical properties (such as structural, functional, and spatial information, amino acid conservation, physicochemical variation, residue mobility, and thermodynamic stability) indicates that this missense variant is not expected to disrupt USH2A protein function with a negative predictive value of 95%. In summary, the available evidence is currently insufficient to determine the role of this variant in disease. Therefore, it has been classified as a Variant of Uncertain Significance.

Blueprint Genetics
Classification: Uncertain significance. Last evaluated: 2020-01-10. Review status: criteria provided, single submitter. Criteria: ACMG Guidelines, 2015. Collection method: clinical testing. Allele origin: germline.

NM_206933.4(USH2A):c.5057C>T (p.Ala1686Val)

Genes: USH2A (usherin; minus strand), USH2A-AS2 (USH2A antisense RNA 2; plus strand). Cytogenetic location: 1q41.
Variant type: single nucleotide variant.
Coding change: c.5057C>T on transcript NM_206933.4 (MANE Select); coding-DNA position 5057, C replaced by T.
Protein change: p.Ala1686Val; replaces alanine 1686 with valine.
Molecular consequence: missense variant.
Genome position (GRCh38, 1-based): chr1:216,084,808, G>A on the plus strand (C>T on the coding strand, the complement: USH2A is on the minus strand). VCF-style: chr1-216084808-G-A. GRCh37 (hg19) VCF-style: chr1-216258150-G-A.
Other names: short protein forms A1686V.
Identifiers: ClinVar variation 1950953 (VCV001950953.4), dbSNP rs2527808754, ClinGen allele CA344859166.
Genomic context (GRCh38, chr1:216,084,808, plus strand): 5'-CAGCTGTTATACACGTTGATTTGTTCTTCAGAACTCTGCCAATCCAGAGGTTCCCAAATA[G>A]CTGACGGATTGTAATTCTTCATAAAATGTACATCCTTGAGACAGCCCACAAAACCTTTTT-3'
Protein context (NP_996816.3, residues 1676-1696): VHFMKNYNPS[Ala1686Val]IWEPLDWQSS